The following is an entry in ClinVar:

ClinVar aggregate classification (germline): Conflicting classifications of pathogenicity. Review status: criteria provided, conflicting classifications (1 of 4 stars). 7 submissions from 7 submitters: Pathogenic (3); Likely pathogenic (3); Uncertain significance (1). Last evaluated 2026-04-10.

Conditions:
TGM1-related disorder. Also called: TGM1-related condition.
Autosomal recessive congenital ichthyosis 1 (LI1). Also called: COLLODION FETUS; DESQUAMATION OF NEWBORN; ICHTHYOSIS CONGENITA; ICHTHYOSIS CONGENITA II; LAMELLAR EXFOLIATION OF NEWBORN; ICHTHYOSIS, CONGENITAL, AUTOSOMAL RECESSIVE 1, WITH BATHING SUIT DISTRIBUTION. Identifiers: MedGen C4551630, MONDO:0009441, OMIM 242300.

Allele frequency attached by ClinVar (database versions not stated): TOPMed below 0.00001; gnomAD 0.00001; gnomAD exomes 0.00001.
gnomAD v4.1: 16 of 1,567,164 alleles (0.001%); highest among the groups gnomAD compares: Admixed American, 0.0037%; no homozygotes.

Submissions (7):

Myriad Genetics, Inc.
Classification: Uncertain significance for Autosomal recessive congenital ichthyosis 1. Last evaluated: 2026-04-10. Review status: criteria provided, single submitter. Criteria: Myriad Autosomal Dominant, Autosomal Recessive and X-Linked Classification Criteria (2023). Collection method: clinical testing. Allele origin: unknown.
Comment: NM_000359.2(TGM1):c.1417G>A(G473S) is a missense variant classified as a variant of uncertain significance in the context of TGM1-related autosomal recessive congenital ichthyosis. G473S has been observed in cases with relevant disease (PMID: 38588653, 9261103, 23096117). Relevant functional assessments of this variant are not available in the literature. Internal structural analysis of the variant is supportive of pathogenicity. G473S has been observed in referenced population frequency databases. In summary, there is insufficient evidence to classify NM_000359.2(TGM1):c.1417G>A(G473S) as pathogenic or benign. Please note: this variant was assessed in the context of healthy population screening.

GeneDx
Classification: Likely pathogenic. Last evaluated: 2025-07-21. Review status: criteria provided, single submitter. Criteria: GeneDx Variant Classification Process June 2021. Collection method: clinical testing. Allele origin: germline. Affected: yes.
Comment: In silico analysis supports that this missense variant has a deleterious effect on protein structure/function; This variant is associated with the following publications: (PMID: 9261103, 31589614, 23096117)

Natera, Inc.
Classification: Pathogenic for Autosomal recessive congenital ichthyosis type 1. Last evaluated: 2025-07-10. Review status: criteria provided, single submitter. Criteria: Natera Variant Classification Schema (03/2026). Collection method: clinical testing. Allele origin: germline.
Comment: The c.1417G>A variant in TGM1 is a missense variant predicted to cause substitution of glycine to serine at amino acid 473. This variant is rare in the general population with a frequency below the threshold expected for the associated phenotype(s). This variant has been observed in one or more individuals affected with the associated recessive disease, as either homozygous or compound heterozygous with a second variant (PMID: 38588653, 9261103, 23096117). A different variant at the same position has been determined to be Pathogenic or Likely Pathogenic. Computational prediction algorithms indicate this variant is likely to affect gene or protein function. Given the available evidence, this variant is classified as Pathogenic.

Labcorp Genetics (formerly Invitae), Labcorp
Classification: Pathogenic. Last evaluated: 2024-02-06. Review status: criteria provided, single submitter. Criteria: Invitae Variant Classification Sherloc (09022015). Collection method: clinical testing. Allele origin: germline.
Comment: This sequence change replaces glycine, which is neutral and non-polar, with serine, which is neutral and polar, at codon 473 of the TGM1 protein (p.Gly473Ser). The frequency data for this variant in the population databases is considered unreliable, as metrics indicate poor data quality at this position in the gnomAD database. This missense change has been observed in individual(s) with lamellar ichthyosis (PMID: 9261103, 23096117). ClinVar contains an entry for this variant (Variation ID: 372536). Advanced modeling of protein sequence and biophysical properties (such as structural, functional, and spatial information, amino acid conservation, physicochemical variation, residue mobility, and thermodynamic stability) performed at Invitae indicates that this missense variant is expected to disrupt TGM1 protein function with a positive predictive value of 95%. This variant disrupts the p.Gly473 amino acid residue in TGM1. Other variant(s) that disrupt this residue have been determined to be pathogenic (PMID: 35412663). This suggests that this residue is clinically significant, and that variants that disrupt this residue are likely to be disease-causing. For these reasons, this variant has been classified as Pathogenic.

Blueprint Genetics
Classification: Pathogenic for TGM1-related disorders. Last evaluated: 2020-02-10. Review status: criteria provided, single submitter. Criteria: ACMG Guidelines, 2015. Collection method: clinical testing. Allele origin: germline. Affected: yes. Observed: 1 variant allele.

Fulgent Genetics
Classification: Likely pathogenic for Autosomal recessive congenital ichthyosis 1. Last evaluated: 2018-10-31. Review status: criteria provided, single submitter. Criteria: ACMG Guidelines, 2015. Collection method: clinical testing. Allele origin: unknown.

Genome-Nilou Lab
Classification: Likely pathogenic for Autosomal recessive congenital ichthyosis 1. Review status: criteria provided, single submitter. Criteria: ACMG Guidelines, 2015. Collection method: clinical testing. Allele origin: germline.

Literature cited by the submitters: PubMed 23096117 (cited by 3 submitters); PubMed 38588653 (cited by Myriad Genetics, Inc. and Natera, Inc.); PubMed 9261103 (cited by 3 submitters); PubMed 35412663 (cited by Labcorp Genetics (formerly Invitae), Labcorp).

NM_000359.3(TGM1):c.1417G>A (p.Gly473Ser)

Gene: TGM1 (transglutaminase 1; minus strand). Cytogenetic location: 14q12.
Variant type: single nucleotide variant.
Coding change: c.1417G>A on transcript NM_000359.3 (MANE Select); coding-DNA position 1417, G replaced by A.
Protein change: p.Gly473Ser; replaces glycine 473 with serine.
Molecular consequence: missense variant.
Genome position (GRCh38, 1-based): chr14:24,256,063, C>T on the plus strand (G>A on the coding strand, the complement: TGM1 is on the minus strand). VCF-style: chr14-24256063-C-T. GRCh37 (hg19) VCF-style: chr14-24725269-C-T.
Other names: short protein forms G473S.
Identifiers: ClinVar variation 372536 (VCV000372536.13), dbSNP rs904122716, ClinGen allele CA16042921.